The following is an entry in ClinVar:

ClinVar aggregate classification (germline): Benign (1 of 4 stars; one submission).

Conditions:
Congenital afibrinogenemia. Identifiers: Orphanet 335, Orphanet 98880, MedGen C2584774, MONDO:0008737, OMIM 202400.

Allele frequency attached by ClinVar (database versions not stated): 1000 Genomes Project 30x 0.13195; 1000 Genomes Project 0.13778; TOPMed 0.13944; gnomAD 0.14026 and 0.14190.
gnomAD v4.1: 21,686 of 152,130 alleles (14%); highest among the groups gnomAD compares: East Asian, 22%; 1,902 homozygotes.

Submission:

Illumina Laboratory Services, Illumina
Classification: Benign for Congenital afibrinogenemia. Last evaluated: 2018-01-13. Review status: criteria provided, single submitter. Criteria: ICSL Variant Classification Criteria 13 December 2019. Collection method: clinical testing. Allele origin: germline.
Comment: This variant was observed in the ICSL laboratory as part of a predisposition screen in an ostensibly healthy population. It had not been previously curated by ICSL or reported in the Human Gene Mutation Database (HGMD: prior to June 1st, 2018), and was therefore a candidate for classification through an automated scoring system. Utilizing variant allele frequency, disease prevalence and penetrance estimates, and inheritance mode, an automated score was calculated to assess if this variant is too frequent to cause the disease. Based on the score and internal cut-off values, a variant classified as benign is not then subjected to further curation. The score for this variant resulted in a classification of benign for this disease.

NM_005141.5(FGB):c.*1617A>T

Gene: FGB (fibrinogen beta chain; plus strand). Cytogenetic location: 4q31.3.
Variant type: single nucleotide variant.
Coding change: c.*1617A>T on transcript NM_005141.5 (MANE Select); 1617 bases downstream of the stop codon, A replaced by T.
Molecular consequence: 3 prime UTR variant.
Genome position (GRCh38, 1-based): chr4:154,572,267, A>T. VCF-style: chr4-154572267-A-T. GRCh37 (hg19) VCF-style: chr4-155493419-A-T.
Other names: c.*1617A>T (NM_001184741.1, NM_001382759.1, NM_001382760.1 and 3 more transcripts); c.*1758A>T (NM_001382761.1); c.*1867A>T (NM_001382764.1).
Identifiers: ClinVar variation 347800 (VCV000347800.5), dbSNP rs2059503, ClinGen allele CA10617227.
Genomic context (GRCh38, chr4:154,572,267, plus strand): 5'-GGACAGGTCAGGCCCTTTAAAAATTTCAACAGCTTTATTGAGATATAATTGATATAATTT[A>T]AAAAATCCTGCACATGTGTCATGCTGGAGCCCTATTGATTCCAACAGGGATGGCGCCTTG-3'